The following is an entry in ClinVar:

NM_001034116.2(EIF2B4):c.625C>T (p.Arg209Ter)

Gene: EIF2B4 (eukaryotic translation initiation factor 2B subunit delta; minus strand). Cytogenetic location: 2p23.3.
Variant type: single nucleotide variant.
Coding change: c.625C>T on transcript NM_001034116.2 (MANE Select); coding-DNA position 625, C replaced by T.
Protein change: p.Arg209Ter; replaces arginine 209 with a stop codon.
Molecular consequence: nonsense.
Genome position (GRCh38, 1-based): chr2:27,368,105, G>A on the plus strand (C>T on the coding strand, the complement: EIF2B4 is on the minus strand). VCF-style: chr2-27368105-G-A. GRCh37 (hg19) VCF-style: chr2-27590972-G-A.
Other names: c.688C>T, p.Arg230Ter (NM_001318965.2); c.580C>T, p.Arg194Ter (NM_001318966.2); c.532C>T, p.Arg178Ter (NM_001318967.2); c.40C>T, p.Arg14Ter (NM_001318968.2); c.7C>T, p.Arg3Ter (NM_001318969.2); c.622C>T, p.Arg208Ter (NM_015636.4); c.685C>T, p.Arg229Ter (NM_172195.4); short protein forms R14*, R178*, R194*, R208*, R229*, R3*, R209*, R230*.
Identifiers: ClinVar variation 4746948 (VCV004746948.1).

ClinVar aggregate classification (germline): Pathogenic (1 of 4 stars; one submission).

Submission:

Labcorp Genetics (formerly Invitae), Labcorp
Classification: Pathogenic. Last evaluated: 2026-01-11. Review status: criteria provided, single submitter. Criteria: Invitae Variant Classification Sherloc (09022015). Collection method: clinical testing. Allele origin: germline.
Comment: This sequence change creates a premature translational stop signal (p.Arg208*) in the EIF2B4 gene. It is expected to result in an absent or disrupted protein product. Loss-of-function variants in EIF2B4 are known to be pathogenic (PMID: 11835386, 15776425, 16807905). This variant is not present in population databases (gnomAD no frequency). This premature translational stop signal has been observed in individual(s) with leukodystrophy (PMID: 15776425). This variant is also known as c.625C>T, p.Arg209X. For these reasons, this variant has been classified as Pathogenic.

Literature cited by the submitters: PubMed 11835386; PubMed 15776425; PubMed 16807905.